The following is an entry in ClinVar:

ClinVar aggregate classification (germline): Uncertain significance (1 of 4 stars; one submission).

Allele frequency attached by ClinVar (database versions not stated): TOPMed below 0.00001; ExAC 0.00001.
gnomAD v4.1: 12 of 1,613,986 alleles (0.00074%); highest among the groups gnomAD compares: East Asian, 0.0022%; no homozygotes.

Submission:

Labcorp Genetics (formerly Invitae), Labcorp
Classification: Uncertain significance. Last evaluated: 2023-09-19. Review status: criteria provided, single submitter. Criteria: Invitae Variant Classification Sherloc (09022015). Collection method: clinical testing. Allele origin: germline.
Comment: In summary, the available evidence is currently insufficient to determine the role of this variant in disease. Therefore, it has been classified as a Variant of Uncertain Significance. Algorithms developed to predict the effect of missense changes on protein structure and function output the following: SIFT: "Not Available"; PolyPhen-2: "Benign"; Align-GVGD: "Not Available". The lysine amino acid residue is found in multiple mammalian species, which suggests that this missense change does not adversely affect protein function. This variant has not been reported in the literature in individuals affected with SYT2-related conditions. This variant is present in population databases (rs753769780, gnomAD 0.002%). This sequence change replaces asparagine, which is neutral and polar, with lysine, which is basic and polar, at codon 94 of the SYT2 protein (p.Asn94Lys).

NM_177402.5(SYT2):c.282C>G (p.Asn94Lys)

Gene: SYT2 (synaptotagmin 2; minus strand). Cytogenetic location: 1q32.1.
Variant type: single nucleotide variant.
Coding change: c.282C>G on transcript NM_177402.5 (MANE Select); coding-DNA position 282, C replaced by G.
Protein change: p.Asn94Lys; replaces asparagine 94 with lysine.
Molecular consequence: missense variant.
Genome position (GRCh38, 1-based): chr1:202,604,518, G>C on the plus strand (C>G on the coding strand, the complement: SYT2 is on the minus strand). VCF-style: chr1-202604518-G-C. GRCh37 (hg19) VCF-style: chr1-202573646-G-C.
Other names: c.282C>G, p.Asn94Lys (NM_001136504.1); short protein forms N94K.
Identifiers: ClinVar variation 2985019 (VCV002985019.3), dbSNP rs753769780, ClinGen allele CA1333832.